The following is an entry in ClinVar:

NM_004204.5(PIGQ):c.355G>A (p.Gly119Ser)

Gene: PIGQ (phosphatidylinositol glycan anchor biosynthesis class Q; plus strand). Cytogenetic location: 16p13.3.
Variant type: single nucleotide variant.
Coding change: c.355G>A on transcript NM_004204.5 (MANE Select); coding-DNA position 355, G replaced by A.
Protein change: p.Gly119Ser; replaces glycine 119 with serine.
Molecular consequence: missense variant.
Genome position (GRCh38, 1-based): chr16:574,429, G>A. VCF-style: chr16-574429-G-A. GRCh37 (hg19) VCF-style: chr16-624429-G-A.
Other names: c.355G>A, p.Gly119Ser (NM_148920.4); c.355G>A (NM_148920.1); short protein forms G119S.
Identifiers: ClinVar variation 664127 (VCV000664127.37), dbSNP rs146122020, ClinGen allele CA7779852.

ClinVar aggregate classification (germline): Conflicting classifications of pathogenicity. Review status: criteria provided, conflicting classifications (1 of 4 stars). 4 submissions from 4 submitters: Uncertain significance (1); Likely benign (3). Last evaluated 2025-06-01.

Conditions:
Inborn genetic diseases. Identifiers: MedGen C0950123, MeSH D030342.
Epilepsy. Also called: Seizure disorder. Identifiers: MedGen C0014544, MeSH D004827, MONDO:0005027.

Allele frequency attached by ClinVar (database versions not stated): ExAC 0.00007; ESP Exome Variant Server 0.00008; TOPMed 0.00009; gnomAD 0.00015 and 0.00016.
gnomAD v4.1: 351 of 1,610,526 alleles (0.022%); highest among the groups gnomAD compares: Non-Finnish European, 0.028%; no homozygotes.

Submissions (4):

CeGaT Center for Human Genetics Tuebingen
Classification: Likely benign. Last evaluated: 2025-06-01. Review status: criteria provided, single submitter. Criteria: CeGaT Center For Human Genetics Tuebingen Variant Classification Criteria Version 2. Collection method: clinical testing. Allele origin: germline. Affected: yes. Observed: 2 variant alleles.
Comment: PIGQ: BP4

Ambry Genetics
Classification: Likely benign for Inborn genetic diseases. Last evaluated: 2024-08-19. Review status: criteria provided, single submitter. Criteria: Ambry Variant Classification Scheme 2023. Collection method: clinical testing. Allele origin: germline.

Blueprint Genetics
Classification: Likely benign. Last evaluated: 2024-06-26. Review status: criteria provided, single submitter. Criteria: ACMG Guidelines, 2015. Collection method: clinical testing. Allele origin: germline.

Labcorp Genetics (formerly Invitae), Labcorp
Classification: Uncertain significance for Epilepsy. Last evaluated: 2022-10-30. Review status: criteria provided, single submitter. Criteria: Invitae Variant Classification Sherloc (09022015). Collection method: clinical testing. Allele origin: germline.
Comment: This sequence change replaces glycine, which is neutral and non-polar, with serine, which is neutral and polar, at codon 119 of the PIGQ protein (p.Gly119Ser). This variant is present in population databases (rs146122020, gnomAD 0.02%). This variant has not been reported in the literature in individuals affected with PIGQ-related conditions. ClinVar contains an entry for this variant (Variation ID: 664127). Algorithms developed to predict the effect of missense changes on protein structure and function output the following: SIFT: "Tolerated"; PolyPhen-2: "Benign"; Align-GVGD: "Class C0". The serine amino acid residue is found in multiple mammalian species, which suggests that this missense change does not adversely affect protein function. In summary, the available evidence is currently insufficient to determine the role of this variant in disease. Therefore, it has been classified as a Variant of Uncertain Significance.